The following is an entry in ClinVar:

ClinVar aggregate classification (germline): Uncertain significance (1 of 4 stars; one submission).

Conditions:
Inborn genetic diseases. Identifiers: MedGen C0950123, MeSH D030342.

Submission:

Ambry Genetics
Classification: Uncertain significance for Inborn genetic diseases. Last evaluated: 2025-11-01. Review status: criteria provided, single submitter. Criteria: Ambry Variant Classification Scheme 2023. Collection method: clinical testing. Allele origin: germline.
Comment: The p.G1023A variant (also known as c.3068G>C), located in coding exon 1 of the SAMD9 gene, results from a G to C substitution at nucleotide position 3068. The glycine at codon 1023 is replaced by alanine, an amino acid with similar properties. This amino acid position is conserved. In addition, this alteration is predicted to be tolerated by in silico analysis. Based on the available evidence, the clinical significance of this variant remains unclear.

NM_017654.4(SAMD9):c.3068G>C (p.Gly1023Ala)

Gene: SAMD9 (sterile alpha motif domain containing 9; minus strand). Cytogenetic location: 7q21.2.
Variant type: single nucleotide variant.
Coding change: c.3068G>C on transcript NM_017654.4 (MANE Select); coding-DNA position 3068, G replaced by C.
Protein change: p.Gly1023Ala; replaces glycine 1023 with alanine.
Molecular consequence: missense variant.
Genome position (GRCh38, 1-based): chr7:93,103,030, C>G on the plus strand (G>C on the coding strand, the complement: SAMD9 is on the minus strand). VCF-style: chr7-93103030-C-G. GRCh37 (hg19) VCF-style: chr7-92732343-C-G.
Other names: c.3068G>C, p.Gly1023Ala (NM_001193307.2); short protein forms G1023A.
Identifiers: ClinVar variation 4629912 (VCV004629912.1).